The following is an entry in ClinVar:

NM_001012301.4(ARSI):c.1117G>A (p.Val373Met)

Gene: ARSI (arylsulfatase family member I; minus strand). Cytogenetic location: 5q32.
Variant type: single nucleotide variant.
Coding change: c.1117G>A on transcript NM_001012301.4 (MANE Select); coding-DNA position 1117, G replaced by A.
Protein change: p.Val373Met; replaces valine 373 with methionine.
Molecular consequence: missense variant.
Genome position (GRCh38, 1-based): chr5:150,297,807, C>T on the plus strand (G>A on the coding strand, the complement: ARSI is on the minus strand). VCF-style: chr5-150297807-C-T. GRCh37 (hg19) VCF-style: chr5-149677370-C-T.
Other names: short protein forms V373M.
Identifiers: ClinVar variation 2713175 (VCV002713175.3), dbSNP rs373095319, ClinGen allele CA3510161.

ClinVar aggregate classification (germline): Uncertain significance (1 of 4 stars; one submission).

Conditions:
Spastic paraplegia. Identifiers: MedGen C0037772, HP:0001258.

Allele frequency attached by ClinVar (database versions not stated): ExAC 0.00001; gnomAD 0.00001; gnomAD exomes 0.00001; TOPMed 0.00002; ESP Exome Variant Server 0.00008.

Submission:

Labcorp Genetics (formerly Invitae), Labcorp
Classification: Uncertain significance for Spastic paraplegia. Last evaluated: 2023-03-26. Review status: criteria provided, single submitter. Criteria: Invitae Variant Classification Sherloc (09022015). Collection method: clinical testing. Allele origin: germline.
Comment: In summary, the available evidence is currently insufficient to determine the role of this variant in disease. Therefore, it has been classified as a Variant of Uncertain Significance. Advanced modeling of protein sequence and biophysical properties (such as structural, functional, and spatial information, amino acid conservation, physicochemical variation, residue mobility, and thermodynamic stability) performed at Invitae indicates that this missense variant is not expected to disrupt ARSI protein function. This variant has not been reported in the literature in individuals affected with ARSI-related conditions. This variant is present in population databases (rs373095319, gnomAD 0.003%). This sequence change replaces valine, which is neutral and non-polar, with methionine, which is neutral and non-polar, at codon 373 of the ARSI protein (p.Val373Met).